The following is an entry in ClinVar:

NM_006996.3(SLC19A2):c.358G>T (p.Gly120Ter)

Gene: SLC19A2 (solute carrier family 19 member 2; minus strand). Cytogenetic location: 1q24.2.
Variant type: single nucleotide variant.
Coding change: c.358G>T on transcript NM_006996.3 (MANE Select); coding-DNA position 358, G replaced by T.
Protein change: p.Gly120Ter; replaces glycine 120 with a stop codon.
Molecular consequence: nonsense. On other transcripts: intron variant (1).
Genome position (GRCh38, 1-based): chr1:169,477,604, C>A on the plus strand (G>T on the coding strand, the complement: SLC19A2 is on the minus strand). VCF-style: chr1-169477604-C-A. GRCh37 (hg19) VCF-style: chr1-169446842-C-A.
Other names: c.205-7418G>T (NM_001319667.1); short protein forms G120*.
Identifiers: ClinVar variation 2779982 (VCV002779982.3), dbSNP rs371050633, ClinGen allele CA343110650.

ClinVar aggregate classification (germline): Pathogenic (1 of 4 stars; one submission).

Submission:

Labcorp Genetics (formerly Invitae), Labcorp
Classification: Pathogenic. Last evaluated: 2023-07-19. Review status: criteria provided, single submitter. Criteria: Invitae Variant Classification Sherloc (09022015). Collection method: clinical testing. Allele origin: germline.
Comment: For these reasons, this variant has been classified as Pathogenic. This premature translational stop signal has been observed in individual(s) with thiamine-responsive megaloblastic anemia (PMID: 33571483). This variant is not present in population databases (gnomAD no frequency). This sequence change creates a premature translational stop signal (p.Gly120*) in the SLC19A2 gene. It is expected to result in an absent or disrupted protein product. Loss-of-function variants in SLC19A2 are known to be pathogenic (PMID: 10391221, 10391223, 10874303).

Literature cited by the submitters: PubMed 33571483; PubMed 10391221; PubMed 10391223; PubMed 10874303.